The following is an entry in ClinVar:

ClinVar aggregate classification (germline): Uncertain significance (1 of 4 stars; one submission).

Conditions:
Hereditary spastic paraplegia 11. Also called: SPASTIC PARAPLEGIA, AUTOSOMAL RECESSIVE, COMPLICATED, WITH THIN CORPUS CALLOSUM; SPASTIC PARAPLEGIA, AUTOSOMAL RECESSIVE, WITH MENTAL IMPAIRMENT AND THIN CORPUS CALLOSUM; Spastic Paraplegia 11; Spastic paraplegia, mental retardation and thin corpus callosum; Nakamura Osame syndrome; Autosomal recessive hereditary spastic paraplegia, mental impairment, and thin corpus callosum. Identifiers: Orphanet 2822, MedGen C1858479, MONDO:0011445, OMIM 604360.

Submission:

Labcorp Genetics (formerly Invitae), Labcorp
Classification: Uncertain significance for Hereditary spastic paraplegia 11. Last evaluated: 2025-05-05. Review status: criteria provided, single submitter. Criteria: Invitae Variant Classification Sherloc (09022015). Collection method: clinical testing. Allele origin: germline.
Comment: This sequence change replaces leucine, which is neutral and non-polar, with phenylalanine, which is neutral and non-polar, at codon 287 of the SPG11 protein (p.Leu287Phe). This variant is not present in population databases (gnomAD no frequency). This variant has not been reported in the literature in individuals affected with SPG11-related conditions. ClinVar contains an entry for this variant (Variation ID: 2047398). Invitae Evidence Modeling of protein sequence and biophysical properties (such as structural, functional, and spatial information, amino acid conservation, physicochemical variation, residue mobility, and thermodynamic stability) indicates that this missense variant is not expected to disrupt SPG11 protein function with a negative predictive value of 80%. In summary, the available evidence is currently insufficient to determine the role of this variant in disease. Therefore, it has been classified as a Variant of Uncertain Significance.

NM_025137.4(SPG11):c.861G>T (p.Leu287Phe)

Gene: SPG11 (SPG11 vesicle trafficking associated, spatacsin; minus strand). Cytogenetic location: 15q21.1.
Variant type: single nucleotide variant.
Coding change: c.861G>T on transcript NM_025137.4 (MANE Select); coding-DNA position 861, G replaced by T.
Protein change: p.Leu287Phe; replaces leucine 287 with phenylalanine.
Molecular consequence: missense variant.
Genome position (GRCh38, 1-based): chr15:44,657,103, C>A on the plus strand (G>T on the coding strand, the complement: SPG11 is on the minus strand). VCF-style: chr15-44657103-C-A. GRCh37 (hg19) VCF-style: chr15-44949301-C-A.
Other names: c.861G>T, p.Leu287Phe (NM_001160227.2, NM_001411132.1); short protein forms L287F.
Identifiers: ClinVar variation 2047398 (VCV002047398.4), dbSNP rs2505757796, ClinGen allele CA392237135.